The following is an entry in ClinVar:

NM_005228.5(EGFR):c.2155G>C (p.Gly719Arg)

Gene: EGFR (epidermal growth factor receptor; plus strand). Cytogenetic location: 7p11.2.
Variant type: single nucleotide variant.
Coding change: c.2155G>C on transcript NM_005228.5 (MANE Select); coding-DNA position 2155, G replaced by C.
Protein change: p.Gly719Arg; replaces glycine 719 with arginine.
Molecular consequence: missense variant.
Genome position (GRCh38, 1-based): chr7:55,174,014, G>C. VCF-style: chr7-55174014-G-C. GRCh37 (hg19) VCF-style: chr7-55241707-G-C.
Other names: c.2020G>C, p.Gly674Arg (NM_001346897.2, NM_001346899.2); c.2155G>C, p.Gly719Arg (NM_001346898.2); c.1996G>C, p.Gly666Arg (NM_001346900.2); c.1354G>C, p.Gly452Arg (NM_001346941.2); short protein forms G719R, G666R, G452R, G674R.
Identifiers: ClinVar variation 45224 (VCV000045224.6), dbSNP rs28929495, ClinGen allele CA135772.
Genomic context (GRCh38, chr7:55,174,014, plus strand): 5'-CCCAACCAAGCTCTCTTGAGGATCTTGAAGGAAACTGAATTCAAAAAGATCAAAGTGCTG[G>C]GCTCCGGTGCGTTCGGCACGGTGTATAAGGTAAGGTCCCTGGCACAGGCCTCTGGGCTGG-3'
Protein context (NP_005219.2, residues 709-729): ETEFKKIKVL[Gly719Arg]SGAFGTVYKG

ClinVar aggregate classification (germline): Likely pathogenic; drug response. Review status: no assertion criteria provided (0 of 4 stars). 2 submissions from 2 submitters: Likely pathogenic (1). Last evaluated 2009-08-10.

Conditions:
Non-small cell lung carcinoma (NSCLC). Also called: Non-small cell lung cancer. Identifiers: MedGen C0007131, MeSH D002289, MONDO:0005233, HP:0030358. Disease mechanism: Other.
Squamous cell carcinoma of the head and neck (HNSCC). Also called: Head and neck squamous cell carcinoma; Squamous cell carcinoma, head and neck, somatic. Identifiers: Orphanet 67037, MedGen C1168401, MeSH D000077195, MONDO:0010150, OMIM 275355, HP:0020357.

Submissions (2):

Laboratory for Molecular Medicine, Mass General Brigham Personalized Medicine
Classification: Likely pathogenic for Non-Small Cell Lung Cancer. Last evaluated: 2009-08-10. Review status: no assertion criteria provided. Collection method: clinical testing. Allele origin: somatic. Observed: 1 variant allele.

Genetics, Bhagwan Mahavir Medical Research Centre
Classification: drug response for Squamous cell carcinoma of the head and neck. Review status: no assertion criteria provided. Collection method: not provided. Allele origin: unknown.
ClinVar note: Converted during submission from drug-response to drug response.

Literature cited by the submitters: PubMed 15788655 (cited by Laboratory for Molecular Medicine, Mass General Brigham Personalized Medicine); PubMed 15118125 (cited by Laboratory for Molecular Medicine, Mass General Brigham Personalized Medicine); PubMed 15118073 (cited by Laboratory for Molecular Medicine, Mass General Brigham Personalized Medicine).